The following is an entry in ClinVar:

NM_000520.6(HEXA):c.508C>T (p.Arg170Trp)

Gene: HEXA (hexosaminidase subunit alpha; minus strand). Cytogenetic location: 15q23.
Variant type: single nucleotide variant.
Coding change: c.508C>T on transcript NM_000520.6 (MANE Select); coding-DNA position 508, C replaced by T.
Protein change: p.Arg170Trp; replaces arginine 170 with tryptophan.
Molecular consequence: missense variant. On other transcripts: non-coding transcript variant (1).
Genome position (GRCh38, 1-based): chr15:72,353,130, G>A on the plus strand (C>T on the coding strand, the complement: HEXA is on the minus strand). VCF-style: chr15-72353130-G-A. GRCh37 (hg19) VCF-style: chr15-72645471-G-A.
Other names: c.541C>T, p.Arg181Trp (NM_001318825.2); c.508C>T (NM_000520.5); short protein forms R170W, R181W.
Identifiers: ClinVar variation 3925 (VCV000003925.193), dbSNP rs121907972, ClinGen allele CA252927.
Genomic context (GRCh38, chr15:72,353,130, plus strand): 5'-GAGTGTCCAGGATGCTAGAGAGTGGCAGGTAATGGCGAGATGTATCCAACAGCAAGCCCC[G>A]GTGAGGAAAGCGGGGAAAGTCCTCAATCTCAGTCTTGTTGATAAAGAACTGTGCAGAACA-3'
Protein context (NP_000511.2, residues 160-180): EIEDFPRFPH[Arg170Trp]GLLLDTSRHY

ClinVar aggregate classification (germline): Pathogenic/Likely pathogenic. Review status: criteria provided, multiple submitters, no conflicts (2 of 4 stars). 14 submissions from 14 submitters: Pathogenic (10); Likely pathogenic (2). 2 of the submissions do not count toward it. Last evaluated 2026-02-03.

Conditions:
Inborn genetic diseases. Identifiers: MedGen C0950123, MeSH D030342.
Tay-Sachs disease (TSD). Also called: HEXA DEFICIENCY; Hexosaminidase A Deficiency; HEXA Disorders; GM2 gangliosidosis, type 1; Hexosaminidase alpha-subunit deficiency (variant B); Sphingolipidosis, Tay-Sachs. Identifiers: Orphanet 845, MedGen C0039373, MONDO:0010100, OMIM 272800.

Allele frequency attached by ClinVar (database versions not stated): ExAC 0.00001; TOPMed 0.00002; gnomAD exomes 0.00001 and 0.00002; gnomAD 0.00001.
gnomAD v4.1: 26 of 1,613,514 alleles (0.0016%); highest among the groups gnomAD compares: Non-Finnish European, 0.0021%; no homozygotes.

Submissions 1 to 10 of 14:

Labcorp Genetics (formerly Invitae), Labcorp
Classification: Pathogenic for Tay-Sachs disease. Last evaluated: 2026-02-03. Review status: criteria provided, single submitter. Criteria: Invitae Variant Classification Sherloc (09022015). Collection method: clinical testing. Allele origin: germline.
Comment: This sequence change replaces arginine, which is basic and polar, with tryptophan, which is neutral and slightly polar, at codon 170 of the HEXA protein (p.Arg170Trp). This variant is present in population databases (rs121907972, gnomAD 0.003%). This missense change has been observed in individuals with Tay-Sachs disease (PMID: 1302612, 8490625, 16088929, 22723944). ClinVar contains an entry for this variant (Variation ID: 3925). Invitae Evidence Modeling of protein sequence and biophysical properties (such as structural, functional, and spatial information, amino acid conservation, physicochemical variation, residue mobility, and thermodynamic stability) indicates that this missense variant is expected to disrupt HEXA protein function with a positive predictive value of 95%. Experimental studies have shown that this missense change affects HEXA function (PMID: 9169471). Algorithms developed to predict the effect of sequence changes on RNA splicing suggest that this variant may disrupt the consensus splice site. This variant disrupts the p.Arg179 amino acid residue in HEXA. Other variant(s) that disrupt this residue have been determined to be pathogenic (PMID: 8490625, 16088929, 24518553; internal data). This suggests that this residue is clinically significant, and that variants that disrupt this residue are likely to be disease-causing. For these reasons, this variant has been classified as Pathogenic.

Natera, Inc.
Classification: Pathogenic for Tay-Sachs disease. Last evaluated: 2025-10-16. Review status: criteria provided, single submitter. Criteria: Natera Variant Classification Schema (03/2026). Collection method: clinical testing. Allele origin: germline.
Comment: The c.508C>T variant in HEXA is a missense variant predicted to cause substitution of arginine to tryptophan at amino acid 170. This variant is rare in the general population with a frequency below the threshold expected for the associated phenotype(s). This variant has been observed in one or more individuals affected with the associated recessive disease, as either homozygous or compound heterozygous with a second variant (PMID: 33751187, 1302612, 34554397). Computational prediction algorithms indicate this variant is likely to affect gene or protein function. Given the available evidence, this variant is classified as Pathogenic.

Ambry Genetics
Classification: Pathogenic for Inborn genetic diseases. Last evaluated: 2025-09-25. Review status: criteria provided, single submitter. Criteria: Ambry Variant Classification Scheme 2023. Collection method: clinical testing. Allele origin: germline.
Comment: The c.508C>T (p.R170W) alteration is located in exon 5 (coding exon 5) of the HEXA gene. This alteration results from a C to T substitution at nucleotide position 508, causing the arginine (R) at amino acid position 170 to be replaced by a tryptophan (W). Based on data from gnomAD, the T allele has an overall frequency of 0.001% (3/282596) total alleles studied. The highest observed frequency was 0.003% (1/35420) of Latino alleles. This variant has been identified in the homozygous state and/or in conjunction with other HEXA variant(s) in individual(s) with features consistent with Tay-Sachs disease; in at least one instance, the variants were identified in trans (Fernandes, 1992; Akli, 1993; Tanaka, 1999; Montalvo, 2005; Mistri, 2012; Nestrasil, 2018; H&ouml;lzer, 2021; Abtahi, 2022; Moroto, 2024; Schmidt, 2024). This amino acid position is highly conserved in available vertebrate species. In multiple assays testing HEXA function, this variant showed functionally abnormal results (Cao, 1997; Fernandes, 1997; Martin, 2007). The p.R170W alteration is predicted to be deleterious by in silico analysis. Based on the available evidence, this alteration is classified as pathogenic.

GeneDx
Classification: Pathogenic. Last evaluated: 2024-10-09. Review status: criteria provided, single submitter. Criteria: GeneDx Variant Classification Process June 2021. Collection method: clinical testing. Allele origin: germline. Affected: yes.
Comment: Published functional studies demonstrate a damaging effect on protein function (PMID: 18490185, 9169471); In silico analysis is inconclusive as to whether the variant alters gene splicing. In the absence of RNA/functional studies, the actual effect of this sequence change is unknown.; Not observed at significant frequency in large population cohorts (gnomAD); This variant is associated with the following publications: (PMID: 22975760, 18490185, 1302612, 34554397, 8490625, 16088929, 9169471, 33751187, 22723944, 37899085)

Mayo Clinic Laboratories, Mayo Clinic
Classification: Pathogenic. Last evaluated: 2024-09-06. Review status: criteria provided, single submitter. Criteria: ACMG Guidelines, 2015. Collection method: clinical testing. Allele origin: germline. Observed: 1 variant allele.
Comment: PP3, PP4, PM2, PM3_very_strong, PM5

Victorian Clinical Genetics Services, Murdoch Childrens Research Institute
Classification: Pathogenic for Tay-Sachs disease. Last evaluated: 2023-07-17. Review status: criteria provided, single submitter. Criteria: ACMG Guidelines, 2015. Collection method: clinical testing. Allele origin: germline. Inheritance: Autosomal recessive inheritance. Affected: yes.
Comment: Based on the classification scheme VCGS_Germline_v1.3.4, this variant is classified as Pathogenic. Following criteria are met: 0102 - Loss of function is a known mechanism of disease in this gene and is associated with Tay-Sachs disease (MIM#272800). (I) 0106 - This gene is associated with autosomal recessive disease. (I) 0200 - Variant is predicted to result in a missense amino acid change from arginine to tryptophan. (I) 0251 - This variant is heterozygous. (I) 0304 - Variant is present in gnomAD (v2) <0.01 for a recessive condition (3 heterozygotes, 0 homozygotes). (SP) 0309 - An alternative amino acid change at the same position has been observed in gnomAD (v2 and v3) (1 heterozygote, 0 homozygotes). (I) 0501 - Missense variant consistently predicted to be damaging by multiple in silico tools or highly conserved with a major amino acid change. (SP) 0600 - Variant is located in the annotated glycosyl hydrolase family 20, catalytic domain (DECIPHER) . (I) 0801 - This variant has strong previous evidence of pathogenicity in unrelated individuals. This variant has been classified as pathogenic or likely pathogenic by multiple clinical laboratories in ClinVar, and has been observed in individuals with Tay-Sachs disease (PMIDs: 16088929, 22723944). (SP) 1208 - Inheritance information for this variant is not currently available in this individual. (I) Legend: (SP) - Supporting pathogenic, (I) - Information, (SB) - Supporting benign

3billion
Classification: Pathogenic for Tay-Sachs disease. Last evaluated: 2022-09-01. Review status: criteria provided, single submitter. Criteria: ACMG Guidelines, 2015. Collection method: clinical testing. Allele origin: germline. Affected: yes. Observed: 1 homozygote.
Comment: The variant is observed at an extremely low frequency in the gnomAD v2.1.1 dataset (total allele frequency: 0.001%). In silico tool predictions suggest damaging effect of the variant on gene or gene product (REVEL: 0.94; 3Cnet: 1.00). Same nucleotide change resulting in same amino acid change has been previously reported as pathogenic/likely pathogenic with strong evidence (ClinVar ID: VCV000003925). A different missense change at the same codon (p.Arg170Gln) has been reported as pathogenic/likely pathogenic with strong evidence (ClinVar ID: VCV000003900). Therefore, this variant is classified as Pathogenic according to the recommendation of ACMG/AMP guideline.

Fulgent Genetics
Classification: Likely pathogenic for Tay-Sachs disease. Last evaluated: 2021-07-12. Review status: criteria provided, single submitter. Criteria: ACMG Guidelines, 2015. Collection method: clinical testing. Allele origin: unknown.

Revvity Omics, Revvity
Classification: Pathogenic for Tay-Sachs disease. Last evaluated: 2021-07-03. Review status: criteria provided, single submitter. Criteria: ACMG Guidelines, 2015. Collection method: clinical testing. Allele origin: germline.

Myriad Genetics, Inc.
Classification: Likely pathogenic for Tay-Sachs disease. Last evaluated: 2019-12-20. Review status: criteria provided, single submitter. Criteria: Myriad Women's Health Autosomal Recessive and X-Linked Classification Criteria (2019). Collection method: clinical testing. Allele origin: unknown.
Comment: NM_000520.4(HEXA):c.508C>T(R170W) is classified as likely pathogenic in the context of hexosaminidase A deficiency and and is associated with Tay-Sachs disease. Sources cited for classification include the following: PMID 10083731, 8490625, 9169471, 16088929, 22723944, 1302612, 24940364 and 14577003. Classification of NM_000520.4(HEXA):c.508C>T(R170W) is based on the following criteria: This variant has been observed more frequently in patients with clinical diagnoses than in healthy populations. Please note: this variant was assessed in the context of healthy population screening.